The following is an entry in ClinVar:

NM_004655.4(AXIN2):c.201G>A (p.Gly67=)

Gene: AXIN2 (axin 2; minus strand). Cytogenetic location: 17q24.1.
Variant type: single nucleotide variant.
Coding change: c.201G>A on transcript NM_004655.4 (MANE Select); coding-DNA position 201, G replaced by A.
Protein change: p.Gly67=; no amino-acid change (glycine 67 retained).
Molecular consequence: synonymous variant.
Genome position (GRCh38, 1-based): chr17:65,558,420, C>T on the plus strand (G>A on the coding strand, the complement: AXIN2 is on the minus strand). VCF-style: chr17-65558420-C-T. GRCh37 (hg19) VCF-style: chr17-63554538-C-T.
Other names: c.201G>A, p.Gly67= (NM_001363813.1).
Identifiers: ClinVar variation 1147723 (VCV001147723.14), dbSNP rs1303253199, ClinGen allele CA501691475.

ClinVar aggregate classification (germline): Benign/Likely benign. Review status: criteria provided, multiple submitters, no conflicts (2 of 4 stars). 4 submissions from 4 submitters: Benign (1); Likely benign (3). Last evaluated 2024-12-12.

Conditions:
Hereditary cancer-predisposing syndrome. Also called: Hereditary neoplastic syndrome; Neoplastic Syndromes, Hereditary; Tumor predisposition; Hereditary Cancer Syndrome. Identifiers: Orphanet 140162, MedGen C0027672, MeSH D009386, MONDO:0015356.
Oligodontia-cancer predisposition syndrome. Also called: TOOTH AGENESIS-COLORECTAL CANCER SYNDROME. Identifiers: Orphanet 300576, MedGen C1837750, MONDO:0012075, OMIM 608615. Disease mechanism: loss of function.

Submissions (4):

Labcorp Genetics (formerly Invitae), Labcorp
Classification: Likely benign for Oligodontia-cancer predisposition syndrome. Last evaluated: 2024-12-12. Review status: criteria provided, single submitter. Criteria: Invitae Variant Classification Sherloc (09022015). Collection method: clinical testing. Allele origin: germline.

Myriad Genetics, Inc.
Classification: Benign for Oligodontia-cancer predisposition syndrome. Last evaluated: 2024-06-25. Review status: criteria provided, single submitter. Criteria: Myriad Autosomal Dominant, Autosomal Recessive and X-Linked Classification Criteria (2023). Collection method: clinical testing. Allele origin: unknown.
Comment: This variant is considered benign. This variant is a silent/synonymous amino acid change and it is not expected to impact splicing.

Ambry Genetics
Classification: Likely benign for Hereditary cancer-predisposing syndrome. Last evaluated: 2022-04-19. Review status: criteria provided, single submitter. Criteria: Ambry Variant Classification Scheme 2023. Collection method: clinical testing. Allele origin: germline.

Sema4
Classification: Likely benign for Hereditary cancer-predisposing syndrome. Last evaluated: 2021-03-11. Review status: criteria provided, single submitter. Criteria: Sema4 Curation Guidelines. Collection method: curation. Allele origin: germline.